The following is an entry in ClinVar:

ClinVar aggregate classification (germline): Uncertain significance. Review status: criteria provided, multiple submitters, no conflicts (2 of 4 stars). 2 submissions from 2 submitters: Uncertain significance (2). Last evaluated 2025-12-12.

Conditions:
Hereditary cancer-predisposing syndrome. Also called: Neoplastic Syndromes, Hereditary; Hereditary neoplastic syndrome; Tumor predisposition; Hereditary Cancer Syndrome. Identifiers: Orphanet 140162, MedGen C0027672, MeSH D009386, MONDO:0015356.
Cardiovascular phenotype. Identifiers: MedGen CN230736.
Neurofibromatosis, type 1 (NF1). Also called: VON RECKLINGHAUSEN DISEASE; NEUROFIBROMATOSIS, TYPE I, SOMATIC; Peripheral type neurofibromatosis; Neurofibromatosis, type I. Identifiers: Orphanet 636, MedGen C0027831, MONDO:0018975, OMIM 162200. Disease mechanism: loss of function.

gnomAD v4.1: 1 of 1,614,000 alleles (0.000062%); highest among the groups gnomAD compares: Non-Finnish European, 0.000085%; no homozygotes.

Submissions (2):

Ambry Genetics
Classification: Uncertain significance for Cardiovascular phenotype; Hereditary cancer-predisposing syndrome. Last evaluated: 2025-12-12. Review status: criteria provided, single submitter. Criteria: Ambry Variant Classification Scheme 2023. Collection method: clinical testing. Allele origin: germline.
Comment: The p.R1362L variant (also known as c.4085G>T), located in coding exon 30 of the NF1 gene, results from a G to T substitution at nucleotide position 4085. The arginine at codon 1362 is replaced by leucine, an amino acid with dissimilar properties. This amino acid position is highly conserved in available vertebrate species. In addition, this alteration is predicted to be deleterious by in silico analysis. Based on the available evidence, the clinical significance of this variant remains unclear.

Labcorp Genetics (formerly Invitae), Labcorp
Classification: Uncertain significance for Neurofibromatosis, type 1. Last evaluated: 2018-08-02. Review status: criteria provided, single submitter. Criteria: Invitae Variant Classification Sherloc (09022015). Collection method: clinical testing. Allele origin: germline.
Comment: In summary, the available evidence is currently insufficient to determine the role of this variant in disease. Therefore, it has been classified as a Variant of Uncertain Significance. This sequence change replaces arginine with leucine at codon 1362 of the NF1 protein (p.Arg1362Leu). The arginine residue is moderately conserved and there is a moderate physicochemical difference between arginine and leucine. This variant is not present in population databases (ExAC no frequency). This variant has not been reported in the literature in individuals with NF1-related disease. Algorithms developed to predict the effect of missense changes on protein structure and function are either unavailable or do not agree on the potential impact of this missense change (SIFT: "Tolerated"; PolyPhen-2: "Probably Damaging"; Align-GVGD: "Class C0").

NM_001042492.3(NF1):c.4085G>T (p.Arg1362Leu)

Gene: NF1 (neurofibromin 1; plus strand). Cytogenetic location: 17q11.2.
Variant type: single nucleotide variant.
Coding change: c.4085G>T on transcript NM_001042492.3 (MANE Select); coding-DNA position 4085, G replaced by T.
Protein change: p.Arg1362Leu; replaces arginine 1362 with leucine.
Molecular consequence: missense variant.
Genome position (GRCh38, 1-based): chr17:31,249,094, G>T. VCF-style: chr17-31249094-G-T. GRCh37 (hg19) VCF-style: chr17-29576112-G-T.
Other names: c.4085G>T, p.Arg1362Leu (NM_000267.4); short protein forms R1362L.
Identifiers: ClinVar variation 665110 (VCV000665110.6), dbSNP rs540108477, ClinGen allele CA398995052.